The following is an entry in ClinVar:

ClinVar aggregate classification (germline): Likely benign. Review status: criteria provided, multiple submitters, no conflicts (2 of 4 stars). 5 submissions from 5 submitters: Likely benign (4). 1 of the submissions does not count toward it. Last evaluated 2025-12-29.

Conditions:
AXIN2-related disorder.
Oligodontia-cancer predisposition syndrome. Also called: TOOTH AGENESIS-COLORECTAL CANCER SYNDROME. Identifiers: Orphanet 300576, MedGen C1837750, MONDO:0012075, OMIM 608615. Disease mechanism: loss of function.

Allele frequency attached by ClinVar (database versions not stated): gnomAD exomes 0.00001 and 0.00002; TOPMed 0.00001; ExAC 0.00002; gnomAD 0.00002.
gnomAD v4.1: 26 of 1,614,136 alleles (0.0016%); highest among the groups gnomAD compares: African/African-American, 0.0053%; no homozygotes.

Submissions (5):

Center for Genomic Medicine, Rigshospitalet, Copenhagen University Hospital
Classification: Likely benign. Last evaluated: 2025-12-29. Review status: criteria provided, single submitter. Criteria: ACMG Guidelines, 2015. Collection method: clinical testing. Allele origin: germline.

Labcorp Genetics (formerly Invitae), Labcorp
Classification: Likely benign for Oligodontia-cancer predisposition syndrome. Last evaluated: 2025-10-01. Review status: criteria provided, single submitter. Criteria: Invitae Variant Classification Sherloc (09022015). Collection method: clinical testing. Allele origin: germline.

Myriad Genetics, Inc.
Classification: Likely benign for Oligodontia-cancer predisposition syndrome. Last evaluated: 2024-07-10. Review status: criteria provided, single submitter. Criteria: Myriad Autosomal Dominant, Autosomal Recessive and X-Linked Classification Criteria (2023). Collection method: clinical testing. Allele origin: unknown.
Comment: This variant is considered likely benign. This variant is intronic and is not expected to impact mRNA splicing.

GeneDx
Classification: Likely benign. Last evaluated: 2019-10-29. Review status: criteria provided, single submitter. Criteria: GeneDx Variant Classification Process June 2021. Collection method: clinical testing. Allele origin: germline. Affected: yes.

PreventionGenetics, part of Exact Sciences
Classification: Likely benign for AXIN2-related condition. Last evaluated: 2024-08-10. Review status: no assertion criteria provided. Collection method: clinical testing. Allele origin: germline. Not counted in ClinVar's aggregate classification.
Comment: This variant is classified as likely benign based on ACMG/AMP sequence variant interpretation guidelines (Richards et al. 2015 PMID: 25741868, with internal and published modifications).

NM_004655.4(AXIN2):c.2238-7T>C

Gene: AXIN2 (axin 2; minus strand). Cytogenetic location: 17q24.1.
Variant type: single nucleotide variant.
Coding change: c.2238-7T>C on transcript NM_004655.4 (MANE Select); 7 bases into the intron before coding-DNA position 2238, T replaced by C.
Molecular consequence: intron variant.
Genome position (GRCh38, 1-based): chr17:65,534,086, A>G on the plus strand (T>C on the coding strand, the complement: AXIN2 is on the minus strand). VCF-style: chr17-65534086-A-G. GRCh37 (hg19) VCF-style: chr17-63530204-A-G.
Other names: c.2238-7T>C (LRG_296t1); c.2043-7T>C (NM_001363813.1).
Identifiers: ClinVar variation 240011 (VCV000240011.16), dbSNP rs759875493, ClinGen allele CA8718343.
Genomic context (GRCh38, chr17:65,534,086, plus strand): 5'-AACTCACTGGCCTGGAGCGCGTGGACACCTGCCAGTTTCTTTGGCTCTTTGTGACTGAAA[A>G]TAAGATGGAATGGAACAAGTTTAGCATTTTAAAGCAGACACACATCTAAAGCAAACACAC-3'